The following is an entry in ClinVar:

ClinVar aggregate classification (germline): Benign/Likely benign. Review status: criteria provided, multiple submitters, no conflicts (2 of 4 stars). 5 submissions from 4 submitters: Benign (3); Likely benign (2). Last evaluated 2026-01-26.

Conditions:
Mandibuloacral dysplasia with type B lipodystrophy (MADB). Also called: LIPODYSTROPHY, TYPE B, ASSOCIATED WITH MANDIBULOACRAL DYSPLASIA. Identifiers: Orphanet 2457, Orphanet 90154, MedGen C1837756, MONDO:0012074, OMIM 608612.
Lethal tight skin contracture syndrome. Also called: Restrictive dermopathy; RESTRICTIVE DERMOPATHY, LETHAL. Identifiers: Orphanet 1662, MedGen C0406585, MONDO:0031213.

Allele frequency attached by ClinVar (database versions not stated): gnomAD exomes 0.00027 and 0.00078; ExAC 0.00092; 1000 Genomes Project 30x 0.00187; 1000 Genomes Project 0.00200; gnomAD 0.00289 and 0.00314; TOPMed 0.00307; ESP Exome Variant Server 0.00315.
gnomAD v4.1: 853 of 1,607,504 alleles (0.053%); highest among the groups gnomAD compares: African/African-American, 1%; 2 homozygotes.

Submissions (5):

Labcorp Genetics (formerly Invitae), Labcorp
Classification: Benign. Last evaluated: 2026-01-26. Review status: criteria provided, single submitter. Criteria: Invitae Variant Classification Sherloc (09022015). Collection method: clinical testing. Allele origin: germline.

Blueprint Genetics
Classification: Likely benign. Last evaluated: 2024-10-22. Review status: criteria provided, single submitter. Criteria: ACMG Guidelines, 2015. Collection method: clinical testing. Allele origin: germline.

GeneDx
Classification: Likely benign. Last evaluated: 2021-04-12. Review status: criteria provided, single submitter. Criteria: GeneDx Variant Classification Process June 2021. Collection method: clinical testing. Allele origin: germline. Affected: yes.

Illumina Laboratory Services, Illumina
Classification: Benign for Mandibuloacral dysplasia with type B lipodystrophy. Last evaluated: 2018-01-13. Review status: criteria provided, single submitter. Criteria: ICSL Variant Classification Criteria 13 December 2019. Collection method: clinical testing. Allele origin: germline.
Comment: This variant was observed in the ICSL laboratory as part of a predisposition screen in an ostensibly healthy population. It had not been previously curated by ICSL or reported in the Human Gene Mutation Database (HGMD: prior to June 1st, 2018), and was therefore a candidate for classification through an automated scoring system. Utilizing variant allele frequency, disease prevalence and penetrance estimates, and inheritance mode, an automated score was calculated to assess if this variant is too frequent to cause the disease. Based on the score and internal cut-off values, a variant classified as benign is not then subjected to further curation. The score for this variant resulted in a classification of benign for this disease.

Illumina Laboratory Services, Illumina
Classification: Benign for Restrictive dermopathy 1. Last evaluated: 2018-01-13. Review status: criteria provided, single submitter. Criteria: ICSL Variant Classification Criteria 13 December 2019. Collection method: clinical testing. Allele origin: germline.
Comment: the same text as in the submission from Illumina Laboratory Services, Illumina above.

NM_005857.5(ZMPSTE24):c.453A>G (p.Glu151=)

Gene: ZMPSTE24 (zinc metallopeptidase STE24; plus strand). Cytogenetic location: 1p34.2.
Variant type: single nucleotide variant.
Coding change: c.453A>G on transcript NM_005857.5 (MANE Select); coding-DNA position 453, A replaced by G.
Protein change: p.Glu151=; no amino-acid change (glutamic acid 151 retained).
Molecular consequence: synonymous variant.
Genome position (GRCh38, 1-based): chr1:40,268,514, A>G. VCF-style: chr1-40268514-A-G. GRCh37 (hg19) VCF-style: chr1-40734186-A-G.
Identifiers: ClinVar variation 729079 (VCV000729079.15), dbSNP rs115755400, ClinGen allele CA790990.
Genomic context (GRCh38, chr1:40,268,514, plus strand): 5'-ACTTTTCAGTGCATTGACTGGTTTGCCATGGAGTCTTTATAATACTTTTGTGATAGAAGA[A>G]AAACATGGCTTCAATCAACAGGTATAATAAAGAATACAAATGTTCTCTTTTAAATGTGAA-3'
Protein context (NP_005848.2, residues 141-161): WSLYNTFVIE[Glu151=]KHGFNQQTLG